The following is an entry in ClinVar:

ClinVar aggregate classification (germline): Uncertain significance (1 of 4 stars; one submission).

Allele frequency attached by ClinVar (database versions not stated): TOPMed below 0.00001; gnomAD 0.00001.
gnomAD v4.1: 1 of 1,613,790 alleles (0.000062%); highest among the groups gnomAD compares: Admixed American, 0.0017%; no homozygotes.

Submission:

Labcorp Genetics (formerly Invitae), Labcorp
Classification: Uncertain significance. Last evaluated: 2022-08-09. Review status: criteria provided, single submitter. Criteria: Invitae Variant Classification Sherloc (09022015). Collection method: clinical testing. Allele origin: germline.
Comment: In summary, the available evidence is currently insufficient to determine the role of this variant in disease. Therefore, it has been classified as a Variant of Uncertain Significance. Algorithms developed to predict the effect of missense changes on protein structure and function (SIFT, PolyPhen-2, Align-GVGD) all suggest that this variant is likely to be tolerated. ClinVar contains an entry for this variant (Variation ID: 1046784). This variant has not been reported in the literature in individuals affected with ACBD5-related conditions. This variant is not present in population databases (gnomAD no frequency). This sequence change replaces glutamine, which is neutral and polar, with histidine, which is basic and polar, at codon 406 of the ACBD5 protein (p.Gln406His).

NM_145698.5(ACBD5):c.1218A>T (p.Gln406His)

Gene: ACBD5 (acyl-CoA binding domain containing 5; minus strand). Cytogenetic location: 10p12.1.
Variant type: single nucleotide variant.
Coding change: c.1218A>T on transcript NM_145698.5 (MANE Select); coding-DNA position 1218, A replaced by T.
Protein change: p.Gln406His; replaces glutamine 406 with histidine.
Molecular consequence: missense variant.
Genome position (GRCh38, 1-based): chr10:27,208,432, T>A on the plus strand (A>T on the coding strand, the complement: ACBD5 is on the minus strand). VCF-style: chr10-27208432-T-A. GRCh37 (hg19) VCF-style: chr10-27497361-T-A.
Other names: c.1113A>T, p.Gln371His (NM_001042473.4, NM_001352577.2, NM_001352578.2 and 1 more transcripts); c.1212A>T, p.Gln404His (NM_001271512.3); c.891A>T, p.Gln297His (NM_001301251.2, NM_001301252.2, NM_001301253.2 and 2 more transcripts); c.687A>T, p.Gln229His (NM_001301254.2); c.1272A>T, p.Gln424His (NM_001352568.1); c.1251A>T, p.Gln417His (NM_001352569.1); c.1218A>T, p.Gln406His (NM_001352570.1); c.1245A>T, p.Gln415His (NM_001352571.1); and 10 more; short protein forms Q303H, Q338H, Q349H, Q413H, Q417H, Q229H, Q297H, Q347H.
Identifiers: ClinVar variation 1046784 (VCV001046784.10), dbSNP rs2060702940, ClinGen allele CA376373628.
Genomic context (GRCh38, chr10:27,208,432, plus strand): 5'-CCAGCGCTCCCCATCACCTCCACTTCCCACCTGCCGGCCCTTGGTTCCTTCGCTCAAGTG[T>A]TGCATCCTATGTCCTATTTTAAGAGGCAAAAATAAGCTTGTTTTAAATAATTCTTATACA-3'
Protein context (NP_663736.2, residues 396-416): NVRRGRGHRM[Gln406His]HLSEGTKGRQ